The following is an entry in ClinVar:

NM_006397.3(RNASEH2A):c.665A>T (p.Glu222Val)

Gene: RNASEH2A (ribonuclease H2 subunit A; plus strand). Cytogenetic location: 19p13.13.
Variant type: single nucleotide variant.
Coding change: c.665A>T on transcript NM_006397.3 (MANE Select); coding-DNA position 665, A replaced by T.
Protein change: p.Glu222Val; replaces glutamic acid 222 with valine.
Molecular consequence: missense variant.
Genome position (GRCh38, 1-based): chr19:12,813,110, A>T. VCF-style: chr19-12813110-A-T. GRCh37 (hg19) VCF-style: chr19-12923924-A-T.
Other names: short protein forms E222V.
Identifiers: ClinVar variation 2088228 (VCV002088228.4), dbSNP rs2512479863, ClinGen allele CA404268906.
Genomic context (GRCh38, chr19:12,813,110, plus strand): 5'-CTTGGACTGTCACCATTGCCCACCCTACCCCAGATCCCAAGACAAAAGCGTGGTTGAAGG[A>T]GCACGTGGAGCCTGTGTTCGGCTTCCCCCAGTTTGTCCGGTTCAGCTGGCGCACGGCCCA-3'
Protein context (NP_006388.2, residues 212-232): NDPKTKAWLK[Glu222Val]HVEPVFGFPQ

ClinVar aggregate classification (germline): Uncertain significance (1 of 4 stars; one submission).

Conditions:
Aicardi-Goutieres syndrome 4. Identifiers: Orphanet 51, MedGen C1835912, MONDO:0012472, OMIM 610333.

Submission:

Labcorp Genetics (formerly Invitae), Labcorp
Classification: Uncertain significance for Aicardi-Goutieres syndrome 4. Last evaluated: 2024-04-15. Review status: criteria provided, single submitter. Criteria: Invitae Variant Classification Sherloc (09022015). Collection method: clinical testing. Allele origin: germline.
Comment: This sequence change replaces glutamic acid, which is acidic and polar, with valine, which is neutral and non-polar, at codon 222 of the RNASEH2A protein (p.Glu222Val). This variant is not present in population databases (gnomAD no frequency). This variant has not been reported in the literature in individuals affected with RNASEH2A-related conditions. ClinVar contains an entry for this variant (Variation ID: 2088228). Advanced modeling of protein sequence and biophysical properties (such as structural, functional, and spatial information, amino acid conservation, physicochemical variation, residue mobility, and thermodynamic stability) performed at Invitae indicates that this missense variant is not expected to disrupt RNASEH2A protein function with a negative predictive value of 80%. In summary, the available evidence is currently insufficient to determine the role of this variant in disease. Therefore, it has been classified as a Variant of Uncertain Significance.